The following is an entry in ClinVar:

NM_004281.4(BAG3):c.1396G>A (p.Asp466Asn)

Gene: BAG3 (BAG cochaperone 3; plus strand). Cytogenetic location: 10q26.11.
Variant type: single nucleotide variant.
Coding change: c.1396G>A on transcript NM_004281.4 (MANE Select); coding-DNA position 1396, G replaced by A.
Protein change: p.Asp466Asn; replaces aspartic acid 466 with asparagine.
Molecular consequence: missense variant.
Genome position (GRCh38, 1-based): chr10:119,676,950, G>A. VCF-style: chr10-119676950-G-A. GRCh37 (hg19) VCF-style: chr10-121436462-G-A.
Other names: short protein forms D466N.
Identifiers: ClinVar variation 565580 (VCV000565580.9), dbSNP rs1564776847, ClinGen allele CA378297236.

ClinVar aggregate classification (germline): Uncertain significance (1 of 4 stars; one submission).

Conditions:
Dilated cardiomyopathy 1HH (CMD1HH). Identifiers: Orphanet 154, MedGen C3151293, MONDO:0013479, OMIM 613881.
Myofibrillar myopathy 6. Identifiers: Orphanet 199340, MedGen C2751831, MONDO:0013061, OMIM 612954.

Submission:

Labcorp Genetics (formerly Invitae), Labcorp
Classification: Uncertain significance for Dilated cardiomyopathy 1HH; Myofibrillar myopathy 6. Last evaluated: 2018-09-04. Review status: criteria provided, single submitter. Criteria: Invitae Variant Classification Sherloc (09022015). Collection method: clinical testing. Allele origin: germline.
Comment: This sequence change replaces aspartic acid with asparagine at codon 466 of the BAG3 protein (p.Asp466Asn). The aspartic acid residue is highly conserved and there is a small physicochemical difference between aspartic acid and asparagine. This variant is not present in population databases (ExAC no frequency). This variant has not been reported in the literature in individuals with BAG3-related disease. In summary, the available evidence is currently insufficient to determine the role of this variant in disease. Therefore, it has been classified as a Variant of Uncertain Significance.